The following is an entry in ClinVar:

ClinVar aggregate classification (germline): Uncertain significance (1 of 4 stars; one submission).

Conditions:
Pheochromocytoma/paraganglioma syndrome 4. Also called: CAROTID BODY TUMORS AND MULTIPLE EXTRAADRENAL PHEOCHROMOCYTOMAS; SDHB-Related Hereditary Paraganglioma-Pheochromocytoma Syndrome (Paragangliomas 4); SDHB-Related Hereditary Paraganglioma-Pheochromocytoma Syndrome; PARAGANGLIOMA, FAMILIAL MALIGNANT; PARAGANGLIOMAS, HEREDITARY EXTRAADRENAL; PHEOCHROMOCYTOMA, FAMILIAL EXTRAADRENAL. Identifiers: Orphanet 29072, MedGen C1861848, MONDO:0007273, OMIM 115310.
Gastrointestinal stromal tumor. Also called: Gastrointestinal stromal tumor, somatic; Gastrointestinal stroma tumor. Identifiers: Orphanet 44890, MedGen C0238198, MeSH D046152, MONDO:0011719, OMIM 606764, HP:0100723.
Pheochromocytoma. Also called: MAX-Related Hereditary Paraganglioma-Pheochromocytoma Syndrome. Identifiers: Orphanet 29072, MedGen C0031511, MONDO:0008233, OMIM 171300, HP:0002666.

Submission:

Labcorp Genetics (formerly Invitae), Labcorp
Classification: Uncertain significance for Gastrointestinal stromal tumor; Pheochromocytoma/paraganglioma syndrome 4; Pheochromocytoma. Last evaluated: 2022-01-03. Review status: criteria provided, single submitter. Criteria: Invitae Variant Classification Sherloc (09022015). Collection method: clinical testing. Allele origin: germline.
Comment: In summary, the available evidence is currently insufficient to determine the role of this variant in disease. Therefore, it has been classified as a Variant of Uncertain Significance. Experimental studies and prediction algorithms are not available or were not evaluated, and the functional significance of this variant is currently unknown. This variant has not been reported in the literature in individuals affected with SDHB-related conditions. This variant results in a copy number gain of the genomic region encompassing exon(s) 8 of the SDHB gene. This region includes the termination codon of the gene. This copy number gain extends beyond the assayed region for this gene and therefore may encompass additional genes. As the precise location of this event is unknown, it may be in tandem or it may be located elsewhere in the genome.

NC_000001.11:g.(?_17018881)_(17018968_?)dup

Gene: SDHB (succinate dehydrogenase complex iron sulfur subunit B; minus strand). Cytogenetic location: 1p36.13.
Variant type: Duplication.
Identifiers: ClinVar variation 832575 (VCV000832575.15).